The following is an entry in ClinVar:

NM_013254.4(TBK1):c.935dup (p.His312fs)

Gene: TBK1 (TANK binding kinase 1; plus strand). Cytogenetic location: 12q14.2.
Variant type: Duplication.
Coding change: c.935dup on transcript NM_013254.4 (MANE Select); coding-DNA position 935, one base duplicated (A; older notation c.935dupA).
Protein change: p.His312fs; shifts the reading frame from histidine 312.
Molecular consequence: frameshift variant.
Genome position (GRCh38, 1-based): chr12:64,481,964, A duplicated. VCF-style (leftmost placement, unchanged base first): chr12-64481963-C-CA. GRCh37 (hg19) VCF-style: chr12-64875743-C-CA.
Other names: short protein forms H312fs.
Identifiers: ClinVar variation 3723928 (VCV003723928.2).

ClinVar aggregate classification (germline): Pathogenic (1 of 4 stars; one submission).

Conditions:
Frontotemporal dementia and/or amyotrophic lateral sclerosis 4. Also called: FTDALS4. Identifiers: Orphanet 275872, MedGen C4225325, MONDO:0014641, OMIM 616439.

Submission:

Labcorp Genetics (formerly Invitae), Labcorp
Classification: Pathogenic for Frontotemporal dementia and/or amyotrophic lateral sclerosis 4. Last evaluated: 2025-03-03. Review status: criteria provided, single submitter. Criteria: Invitae Variant Classification Sherloc (09022015). Collection method: clinical testing. Allele origin: germline.
Comment: This sequence change creates a premature translational stop signal (p.His312Glnfs*12) in the TBK1 gene. It is expected to result in an absent or disrupted protein product. Loss-of-function variants in TBK1 are known to be pathogenic (PMID: 25803835, 26476236, 26581300). This variant is not present in population databases (gnomAD no frequency). This variant has not been reported in the literature in individuals affected with TBK1-related conditions. Algorithms developed to predict the effect of sequence changes on RNA splicing suggest that this variant may disrupt the consensus splice site. For these reasons, this variant has been classified as Pathogenic.

Literature cited by the submitters: PubMed 25803835; PubMed 26476236; PubMed 26581300.